The following is an entry in ClinVar:

ClinVar aggregate classification (germline): Uncertain significance (1 of 4 stars; one submission).

Conditions:
Hereditary cancer-predisposing syndrome. Also called: Neoplastic Syndromes, Hereditary; Tumor predisposition; Hereditary neoplastic syndrome; Hereditary Cancer Syndrome. Identifiers: Orphanet 140162, MedGen C0027672, MeSH D009386, MONDO:0015356.

Submission:

Ambry Genetics
Classification: Uncertain significance for Hereditary cancer-predisposing syndrome. Last evaluated: 2026-07-06. Review status: criteria provided, single submitter. Criteria: Ambry Variant Classification Scheme 2023. Collection method: clinical testing. Allele origin: germline.
Comment: The p.G610S variant (also known as c.1828G>A), located in coding exon 12 of the KIT gene, results from a G to A substitution at nucleotide position 1828. The glycine at codon 610 is replaced by serine, an amino acid with similar properties. This amino acid position is conserved. In addition, this alteration is predicted to be deleterious by in silico analysis. Based on the available evidence, the clinical significance of this variant remains unclear.

NM_000222.3(KIT):c.1828G>A (p.Gly610Ser)

Gene: KIT (KIT proto-oncogene, receptor tyrosine kinase; plus strand). Cytogenetic location: 4q12.
Variant type: single nucleotide variant.
Coding change: c.1828G>A on transcript NM_000222.3 (MANE Select); coding-DNA position 1828, G replaced by A.
Protein change: p.Gly610Ser; replaces glycine 610 with serine.
Molecular consequence: missense variant.
Genome position (GRCh38, 1-based): chr4:54,727,876, G>A. VCF-style: chr4-54727876-G-A. GRCh37 (hg19) VCF-style: chr4-55594042-G-A.
Other names: c.1816G>A, p.Gly606Ser (NM_001093772.2, NM_001385286.1); c.1831G>A, p.Gly611Ser (NM_001385284.1, NM_001385290.1); c.1828G>A, p.Gly610Ser (NM_001385285.1); c.1819G>A, p.Gly607Ser (NM_001385288.1, NM_001385292.1); short protein forms G607S, G610S, G606S, G611S.
Identifiers: ClinVar variation 5023308 (VCV005023308.1).
Genomic context (GRCh38, chr4:54,727,876, plus strand): 5'-CCTACAGGGAAAACCCTGGGTGCTGGAGCTTTCGGGAAGGTTGTTGAGGCAACTGCTTAT[G>A]GCTTAATTAAGTCAGATGCGGCCATGACTGTCGCTGTAAAGATGCTCAAGCGTAAGTTCC-3'
Protein context (NP_000213.1, residues 600-620): FGKVVEATAY[Gly610Ser]LIKSDAAMTV